The following is an entry in ClinVar:

NM_001170629.2(CHD8):c.3518+2T>A

Gene: CHD8 (chromodomain helicase DNA binding protein 8; minus strand). Cytogenetic location: 14q11.2.
Variant type: single nucleotide variant.
Coding change: c.3518+2T>A on transcript NM_001170629.2 (MANE Select); the canonical splice donor site of the intron after coding-DNA position 3518, T replaced by A.
Molecular consequence: splice donor variant.
Genome position (GRCh38, 1-based): chr14:21,403,451, A>T on the plus strand (T>A on the coding strand, the complement: CHD8 is on the minus strand). VCF-style: chr14-21403451-A-T. GRCh37 (hg19) VCF-style: chr14-21871610-A-T.
Other names: c.2681+2T>A (NM_020920.4).
Identifiers: ClinVar variation 4684986 (VCV004684986.1).

ClinVar aggregate classification (germline): Pathogenic (1 of 4 stars; one submission).

Conditions:
Intellectual developmental disorder with autism and macrocephaly. Also called: Autism, susceptibility to, 18; CHD8-Related Neurodevelopmental Disorder with Overgrowth. Identifiers: Orphanet 642675, MedGen C3554373, MONDO:0014017, OMIM 615032.

Submission:

Institute of Human Genetics, Heidelberg University
Classification: Pathogenic for Intellectual developmental disorder with autism and macrocephaly. Last evaluated: 2025-11-05. Review status: criteria provided, single submitter. Criteria: ACMG Guidelines, 2015. Collection method: clinical testing. Allele origin: de novo. Affected: yes. Observed: 1 variant allele.
Comment: PS2_mod, PM2_mod, PVS1_vs